The following is an entry in ClinVar:

ClinVar aggregate classification (germline): Pathogenic (1 of 4 stars; one submission).

Conditions:
Neu-Laxova syndrome 2. Identifiers: Orphanet 2671, Orphanet 583602, MedGen C4015019, MONDO:0014466, OMIM 616038.

Submission:

Labcorp Genetics (formerly Invitae), Labcorp
Classification: Pathogenic for Neu-Laxova syndrome 2. Last evaluated: 2022-01-28. Review status: criteria provided, single submitter. Criteria: Invitae Variant Classification Sherloc (09022015). Collection method: clinical testing. Allele origin: germline.
Comment: For these reasons, this variant has been classified as Pathogenic. This variant has not been reported in the literature in individuals affected with PSAT1-related conditions. This variant is not present in population databases (gnomAD no frequency). This sequence change creates a premature translational stop signal (p.Arg298*) in the PSAT1 gene. It is expected to result in an absent or disrupted protein product. Loss-of-function variants in PSAT1 are known to be pathogenic (PMID: 17436247, 25152457).

Literature cited by the submitters: PubMed 17436247; PubMed 25152457.

NM_058179.4(PSAT1):c.892A>T (p.Arg298Ter)

Gene: PSAT1 (phosphoserine aminotransferase 1; plus strand). Cytogenetic location: 9q21.2.
Variant type: single nucleotide variant.
Coding change: c.892A>T on transcript NM_058179.4 (MANE Select); coding-DNA position 892, A replaced by T.
Protein change: p.Arg298Ter; replaces arginine 298 with a stop codon.
Molecular consequence: nonsense. On other transcripts: intron variant (1).
Genome position (GRCh38, 1-based): chr9:78,328,073, A>T. VCF-style: chr9-78328073-A-T. GRCh37 (hg19) VCF-style: chr9-80942989-A-T.
Other names: c.870-908A>T (NM_021154.5); short protein forms R298*.
Identifiers: ClinVar variation 2091002 (VCV002091002.4), dbSNP rs2489696870, ClinGen allele CA373860712.